The following is an entry in ClinVar:

ClinVar aggregate classification (germline): Likely benign. Review status: criteria provided, multiple submitters, no conflicts (2 of 4 stars). 2 submissions from 2 submitters: Likely benign (2). Last evaluated 2025-11-26.

Conditions:
EXPH5-related disorder. Also called: EXPH5-related condition.

Allele frequency attached by ClinVar (database versions not stated): ESP Exome Variant Server 0.00008; ExAC 0.00009; gnomAD 0.00011; TOPMed 0.00011; gnomAD exomes 0.00024.
gnomAD v4.1: 370 of 1,612,412 alleles (0.023%); highest among the groups gnomAD compares: Non-Finnish European, 0.029%; no homozygotes.

Submissions (2):

PreventionGenetics, part of Exact Sciences
Classification: Likely benign for EXPH5-related condition. Last evaluated: 2025-11-26. Review status: criteria provided, single submitter. Criteria: ACMG Guidelines, 2015. Collection method: clinical testing. Allele origin: germline.
Comment: This variant is classified as likely benign based on ACMG/AMP sequence variant interpretation guidelines (Richards et al. 2015 PMID: 25741868, with internal and published modifications).

Labcorp Genetics (formerly Invitae), Labcorp
Classification: Likely benign. Last evaluated: 2023-09-07. Review status: criteria provided, single submitter. Criteria: Invitae Variant Classification Sherloc (09022015). Collection method: clinical testing. Allele origin: germline.

NM_015065.3(EXPH5):c.1788G>A (p.Glu596=)

Gene: EXPH5 (exophilin 5; minus strand). Cytogenetic location: 11q22.3.
Variant type: single nucleotide variant.
Coding change: c.1788G>A on transcript NM_015065.3 (MANE Select); coding-DNA position 1788, G replaced by A.
Protein change: p.Glu596=; no amino-acid change (glutamic acid 596 retained).
Molecular consequence: synonymous variant.
Genome position (GRCh38, 1-based): chr11:108,513,719, C>T on the plus strand (G>A on the coding strand, the complement: EXPH5 is on the minus strand). VCF-style: chr11-108513719-C-T. GRCh37 (hg19) VCF-style: chr11-108384446-C-T.
Other names: c.1560G>A, p.Glu520= (NM_001144763.2); c.1320G>A, p.Glu440= (NM_001144764.2); c.1224G>A, p.Glu408= (NM_001144765.2); c.1767G>A, p.Glu589= (NM_001308019.2); c.1788G>A (NM_015065.2).
Identifiers: ClinVar variation 2749735 (VCV002749735.4), dbSNP rs141242849, ClinGen allele CA6267976.